The following is an entry in ClinVar:

NM_004667.6(HERC2):c.6029-6C>T

Gene: HERC2 (HECT and RLD domain containing E3 ubiquitin protein ligase 2; minus strand). Cytogenetic location: 15q13.1.
Variant type: single nucleotide variant.
Coding change: c.6029-6C>T on transcript NM_004667.6 (MANE Select); 6 bases into the intron before coding-DNA position 6029, C replaced by T.
Molecular consequence: intron variant.
Genome position (GRCh38, 1-based): chr15:28,215,808, G>A on the plus strand (C>T on the coding strand, the complement: HERC2 is on the minus strand). VCF-style: chr15-28215808-G-A. GRCh37 (hg19) VCF-style: chr15-28460954-G-A.
Identifiers: ClinVar variation 4084498 (VCV004084498.9).

ClinVar aggregate classification (germline): Conflicting classifications of pathogenicity. Review status: criteria provided, conflicting classifications (1 of 4 stars). 2 submissions from 2 submitters: Uncertain significance (1); Likely benign (1). Last evaluated 2025-08-01.

gnomAD v4.1: 141 of 1,579,508 alleles (0.0089%); highest among the groups gnomAD compares: African/African-American, 0.012%; no homozygotes.

Submissions (2):

CeGaT Center for Human Genetics Tuebingen
Classification: Uncertain significance. Last evaluated: 2025-08-01. Review status: criteria provided, single submitter. Criteria: CeGaT Center For Human Genetics Tuebingen Variant Classification Criteria Version 2. Collection method: clinical testing. Allele origin: germline. Affected: yes. Observed: 1 variant allele.
Comment: HERC2: PM2, BP4

Blueprint Genetics
Classification: Likely benign. Last evaluated: 2024-11-21. Review status: criteria provided, single submitter. Criteria: ACMG Guidelines, 2015. Collection method: clinical testing. Allele origin: germline.